The following is an entry in ClinVar:

NM_015001.3(SPEN):c.2022C>T (p.Tyr674=)

Gene: SPEN (spen family transcriptional repressor; plus strand). Cytogenetic location: 1p36.13.
Variant type: single nucleotide variant.
Coding change: c.2022C>T on transcript NM_015001.3 (MANE Select); coding-DNA position 2022, C replaced by T.
Protein change: p.Tyr674=; no amino-acid change (tyrosine 674 retained).
Molecular consequence: synonymous variant.
Genome position (GRCh38, 1-based): chr1:15,928,262, C>T. VCF-style: chr1-15928262-C-T. GRCh37 (hg19) VCF-style: chr1-16254757-C-T.
Identifiers: ClinVar variation 3051252 (VCV003051252.2), dbSNP rs554407489, ClinGen allele CA619202.

ClinVar aggregate classification (germline): Likely benign (0 of 4 stars; one submission).

Conditions:
SPEN-related disorder. Also called: SPEN-related condition.

Allele frequency attached by ClinVar (database versions not stated): TOPMed below 0.00001; gnomAD 0.00009; gnomAD exomes 0.00010; ExAC 0.00026; 1000 Genomes Project 0.00120; 1000 Genomes Project 30x 0.00156.
gnomAD v4.1: 167 of 1,614,038 alleles (0.01%); highest among the groups gnomAD compares: South Asian, 0.16%; 1 homozygote.

Submission:

PreventionGenetics, part of Exact Sciences
Classification: Likely benign for SPEN-related condition. Last evaluated: 2020-02-26. Review status: no assertion criteria provided. Collection method: clinical testing. Allele origin: germline.
Comment: This variant is classified as likely benign based on ACMG/AMP sequence variant interpretation guidelines (Richards et al. 2015 PMID: 25741868, with internal and published modifications).